The following is an entry in ClinVar:

NM_024675.4(PALB2):c.1648A>T (p.Lys550Ter)

Gene: PALB2 (partner and localizer of BRCA2; minus strand). Cytogenetic location: 16p12.2.
Variant type: single nucleotide variant.
Coding change: c.1648A>T on transcript NM_024675.4 (MANE Select); coding-DNA position 1648, A replaced by T.
Protein change: p.Lys550Ter; replaces lysine 550 with a stop codon.
Molecular consequence: nonsense.
Genome position (GRCh38, 1-based): chr16:23,634,898, T>A on the plus strand (A>T on the coding strand, the complement: PALB2 is on the minus strand). VCF-style: chr16-23634898-T-A. GRCh37 (hg19) VCF-style: chr16-23646219-T-A.
Other names: short protein forms K550*.
Identifiers: ClinVar variation 487009 (VCV000487009.13), dbSNP rs1555461178, ClinGen allele CA395130127.

ClinVar aggregate classification (germline): Pathogenic. Review status: criteria provided, multiple submitters, no conflicts (2 of 4 stars). 3 submissions from 3 submitters: Pathogenic (3). Last evaluated 2026-01-04.

Conditions:
Hereditary cancer-predisposing syndrome. Also called: Tumor predisposition; Hereditary Cancer Syndrome; Hereditary neoplastic syndrome; Neoplastic Syndromes, Hereditary. Identifiers: Orphanet 140162, MedGen C0027672, MeSH D009386, MONDO:0015356.
Familial cancer of breast. Also called: hereditary breast carcinoma; BREAST CANCER, FAMILIAL; Hereditary breast cancer. Identifiers: Orphanet 227535, MedGen C0346153, MONDO:0016419, OMIM 114480. Disease mechanism: loss of function.

Submissions (3):

Labcorp Genetics (formerly Invitae), Labcorp
Classification: Pathogenic for Familial cancer of breast. Last evaluated: 2026-01-04. Review status: criteria provided, single submitter. Criteria: Invitae Variant Classification Sherloc (09022015). Collection method: clinical testing. Allele origin: germline.
Comment: This sequence change creates a premature translational stop signal (p.Lys550*) in the PALB2 gene. It is expected to result in an absent or disrupted protein product. Loss-of-function variants in PALB2 are known to be pathogenic (PMID: 17200668, 17200671, 17200672, 24136930, 25099575). This variant is not present in population databases (gnomAD no frequency). This variant has not been reported in the literature in individuals affected with PALB2-related conditions. ClinVar contains an entry for this variant (Variation ID: 487009). For these reasons, this variant has been classified as Pathogenic.

Myriad Genetics, Inc.
Classification: Pathogenic for Familial cancer of breast. Last evaluated: 2023-09-11. Review status: criteria provided, single submitter. Criteria: Myriad Autosomal Dominant, Autosomal Recessive and X-Linked Classification Criteria (2023). Collection method: clinical testing. Allele origin: unknown.
Comment: This variant is considered pathogenic. This variant creates a termination codon and is predicted to result in premature protein truncation.

Ambry Genetics
Classification: Pathogenic for Hereditary cancer-predisposing syndrome. Last evaluated: 2022-10-12. Review status: criteria provided, single submitter. Criteria: Ambry Variant Classification Scheme 2023. Collection method: clinical testing. Allele origin: germline.
Comment: The p.K550* pathogenic mutation (also known as c.1648A>T), located in coding exon 4 of the PALB2 gene, results from an A to T substitution at nucleotide position 1648. This changes the amino acid from a lysine to a stop codon within coding exon 4. This alteration is expected to result in loss of function by premature protein truncation or nonsense-mediated mRNA decay. As such, this alteration is interpreted as a disease-causing mutation.

Literature cited by the submitters: PubMed 17200668 (cited by Labcorp Genetics (formerly Invitae), Labcorp); PubMed 17200671 (cited by Labcorp Genetics (formerly Invitae), Labcorp); PubMed 17200672 (cited by Labcorp Genetics (formerly Invitae), Labcorp); PubMed 24136930 (cited by Labcorp Genetics (formerly Invitae), Labcorp); PubMed 25099575 (cited by Labcorp Genetics (formerly Invitae), Labcorp).